The following is an entry in ClinVar:

NM_033004.4(NLRP1):c.4403T>A (p.Leu1468His)

Gene: NLRP1 (NLR family pyrin domain containing 1; minus strand). Cytogenetic location: 17p13.2.
Variant type: single nucleotide variant.
Coding change: c.4403T>A on transcript NM_033004.4 (MANE Select); coding-DNA position 4403, T replaced by A.
Protein change: p.Leu1468His; replaces leucine 1468 with histidine.
Molecular consequence: missense variant. On other transcripts: intron variant (1).
Genome position (GRCh38, 1-based): chr17:5,514,773, A>T on the plus strand (T>A on the coding strand, the complement: NLRP1 is on the minus strand). VCF-style: chr17-5514773-A-T. GRCh37 (hg19) VCF-style: chr17-5418093-A-T.
Other names: c.4271T>A, p.Leu1424His (NM_014922.5); c.4313T>A, p.Leu1438His (NM_033006.4); c.4181T>A, p.Leu1394His (NM_033007.4); c.4069+2973T>A (NM_001033053.3); short protein forms L1394H, L1424H, L1438H, L1468H.
Identifiers: ClinVar variation 2853500 (VCV002853500.3), dbSNP rs201882873, ClinGen allele CA287273408.

ClinVar aggregate classification (germline): Uncertain significance (1 of 4 stars; one submission).

Allele frequency attached by ClinVar (database versions not stated): gnomAD 0.00001; gnomAD exomes 0.00001.
gnomAD v4.1: 16 of 1,612,596 alleles (0.00099%); highest among the groups gnomAD compares: Non-Finnish European, 0.0014%; no homozygotes.

Submission:

Labcorp Genetics (formerly Invitae), Labcorp
Classification: Uncertain significance. Last evaluated: 2025-12-08. Review status: criteria provided, single submitter. Criteria: Invitae Variant Classification Sherloc (09022015). Collection method: clinical testing. Allele origin: germline.
Comment: This sequence change replaces leucine, which is neutral and non-polar, with histidine, which is basic and polar, at codon 1468 of the NLRP1 protein (p.Leu1468His). This variant is present in population databases (rs201882873, gnomAD 0.0009%). This variant has not been reported in the literature in individuals affected with NLRP1-related conditions. ClinVar contains an entry for this variant (Variation ID: 2853500). An algorithm developed to predict the effect of missense changes on protein structure and function (PolyPhen-2) suggests that this variant is likely to be tolerated. In summary, the available evidence is currently insufficient to determine the role of this variant in disease. Therefore, it has been classified as a Variant of Uncertain Significance.